The following is an entry in ClinVar:

NM_000532.5(PCCB):c.433_434insGCTGTTA (p.Met145fs)

Gene: PCCB (propionyl-CoA carboxylase subunit beta; plus strand). Cytogenetic location: 3q22.3.
Variant type: Insertion.
Coding change: c.433_434insGCTGTTA on transcript NM_000532.5 (MANE Select); coding-DNA positions 433 to 434, GCTGTTA inserted.
Protein change: p.Met145fs; shifts the reading frame from methionine 145.
Molecular consequence: frameshift variant.
Genome position: GRCh38 VCF-style: chr3-136261954-C-CAGCTGTT. GRCh37 (hg19) VCF-style: chr3-135980796-C-CAGCTGTT.
Other names: c.433_434insGCTGTTA (NM_000532.4); c.493_494insGCTGTTA, p.Met165fs (NM_001178014.2); short protein forms M145fs, M165fs.
Identifiers: ClinVar variation 1457174 (VCV001457174.9), dbSNP rs2108146615, ClinGen allele CA2573136565.

ClinVar aggregate classification (germline): Pathogenic/Likely pathogenic. Review status: criteria provided, multiple submitters, no conflicts (2 of 4 stars). 4 submissions from 4 submitters: Pathogenic (2); Likely pathogenic (2). Last evaluated 2024-09-09.

Conditions:
Propionic acidemia (PROP). Also called: GLYCINEMIA, KETOTIC; HYPERGLYCINEMIA WITH KETOACIDOSIS AND LEUKOPENIA; KETOTIC HYPERGLYCINEMIA. Identifiers: Orphanet 35, MedGen C0268579, MONDO:0011628, OMIM 606054, HP:0003571.

Submissions (4):

Women's Health and Genetics/Laboratory Corporation of America, LabCorp
Classification: Pathogenic for Propionic acidemia. Last evaluated: 2024-09-09. Review status: criteria provided, single submitter. Criteria: LabCorp Variant Classification Summary - May 2015. Collection method: clinical testing. Allele origin: germline.
Comment: Variant summary: PCCB c.433_434insGCTGTTA (p.Met145SerfsX18) results in a premature termination codon, predicted to cause a truncation of the encoded protein or absence of the protein due to nonsense mediated decay, which are commonly known mechanisms for disease. The variant was absent in 1550830 control chromosomes. To our knowledge, no occurrence of c.433_434insGCTGTTA in individuals affected with Propionic Acidemia and no experimental evidence demonstrating its impact on protein function have been reported. ClinVar contains an entry for this variant (Variation ID: 1457174). Based on the evidence outlined above, the variant was classified as pathogenic.

Natera, Inc.
Classification: Likely pathogenic for Propionic acidemia. Last evaluated: 2024-03-20. Review status: criteria provided, single submitter. Criteria: Natera Variant Classification Schema (03/2026). Collection method: clinical testing. Allele origin: germline.
Comment: The c.433_434insGCTGTTA variant in PCCB is a frameshift variant predicted to shift the reading frame beginning at codon 145 and leads to a stop codon 18 codons downstream. This variant is expected to result in nonsense mediated decay, truncation, or a dysfunctional protein product. This variant is rare in the general population with a frequency below the threshold expected for the associated phenotype(s). Given the available evidence, this variant is classified as Likely Pathogenic.

Labcorp Genetics (formerly Invitae), Labcorp
Classification: Pathogenic for Propionic acidemia. Last evaluated: 2023-07-14. Review status: criteria provided, single submitter. Criteria: Invitae Variant Classification Sherloc (09022015). Collection method: clinical testing. Allele origin: germline.
Comment: This variant is not present in population databases (gnomAD no frequency). For these reasons, this variant has been classified as Pathogenic. Algorithms developed to predict the effect of sequence changes on RNA splicing suggest that this variant may create or strengthen a splice site. ClinVar contains an entry for this variant (Variation ID: 1457174). This variant has not been reported in the literature in individuals affected with PCCB-related conditions. This sequence change creates a premature translational stop signal (p.Met145Serfs*18) in the PCCB gene. It is expected to result in an absent or disrupted protein product. Loss-of-function variants in PCCB are known to be pathogenic (PMID: 15464417).

Baylor Genetics
Classification: Likely pathogenic for Propionic acidemia. Last evaluated: 2022-06-03. Review status: criteria provided, single submitter. Criteria: ACMG Guidelines, 2015. Collection method: clinical testing. Allele origin: unknown.

Literature cited by the submitters: PubMed 15464417 (cited by Labcorp Genetics (formerly Invitae), Labcorp).